The following is an entry in ClinVar:

NM_012120.3(CD2AP):c.452A>G (p.Asn151Ser)

Gene: CD2AP (CD2 associated protein; plus strand). Cytogenetic location: 6p12.3.
Variant type: single nucleotide variant.
Coding change: c.452A>G on transcript NM_012120.3 (MANE Select); coding-DNA position 452, A replaced by G.
Protein change: p.Asn151Ser; replaces asparagine 151 with serine.
Molecular consequence: missense variant.
Genome position (GRCh38, 1-based): chr6:47,554,677, A>G. VCF-style: chr6-47554677-A-G. GRCh37 (hg19) VCF-style: chr6-47522413-A-G.
Other names: short protein forms N151S.
Identifiers: ClinVar variation 911544 (VCV000911544.6), dbSNP rs570511925, ClinGen allele CA3844002.
Genomic context (GRCh38, chr6:47,554,677, plus strand): 5'-TTTTGCTTTTGAATTGTGAACTTTTTCAGGTAGAAGAAGGCTGGTGGAGTGGAACCCTGA[A>G]TAACAAGTTGGGACTGTTTCCCTCAAATTTTGTGAAAGAATTAGAGGTAACAGATGATGG-3'
Protein context (NP_036252.1, residues 141-161): VEEGWWSGTL[Asn151Ser]NKLGLFPSNF

ClinVar aggregate classification (germline): Conflicting classifications of pathogenicity. Review status: criteria provided, conflicting classifications (1 of 4 stars). 2 submissions from 2 submitters: Uncertain significance (1); Benign (1). Last evaluated 2023-05-09.

Conditions:
Focal segmental glomerulosclerosis 3, susceptibility to (FSGS3). Identifiers: Orphanet 656, MedGen C1842982, MONDO:0011917, OMIM 607832.
Inborn genetic diseases. Identifiers: MedGen C0950123, MeSH D030342.

Allele frequency attached by ClinVar (database versions not stated): gnomAD 0.00001; ExAC 0.00002; TOPMed 0.00002; gnomAD exomes 0.00003; 1000 Genomes Project 30x 0.00016; 1000 Genomes Project 0.00020.
gnomAD v4.1: 17 of 1,613,840 alleles (0.0011%); highest among the groups gnomAD compares: East Asian, 0.036%; no homozygotes.

Submissions (2):

Ambry Genetics
Classification: Uncertain significance for Inborn genetic diseases. Last evaluated: 2023-05-09. Review status: criteria provided, single submitter. Criteria: Ambry Variant Classification Scheme 2023. Collection method: clinical testing. Allele origin: germline.

Illumina Laboratory Services, Illumina
Classification: Benign for Focal segmental glomerulosclerosis 3, susceptibility to. Last evaluated: 2018-01-13. Review status: criteria provided, single submitter. Criteria: ICSL Variant Classification Criteria 13 December 2019. Collection method: clinical testing. Allele origin: germline.
Comment: This variant was observed in the ICSL laboratory as part of a predisposition screen in an ostensibly healthy population. It had not been previously curated by ICSL or reported in the Human Gene Mutation Database (HGMD: prior to June 1st, 2018), and was therefore a candidate for classification through an automated scoring system. Utilizing variant allele frequency, disease prevalence and penetrance estimates, and inheritance mode, an automated score was calculated to assess if this variant is too frequent to cause the disease. Based on the score and internal cut-off values, a variant classified as benign is not then subjected to further curation. The score for this variant resulted in a classification of benign for this disease.